The following is an entry in ClinVar:

NM_001184880.2(PCDH19):c.2572C>T (p.Pro858Ser)

Genes: PCDH19 (protocadherin 19; minus strand), LOC125467768 (CDK7 strongly-dependent group 2 enhancer GRCh37_chrX:99657381-99658580; plus strand). Cytogenetic location: Xq22.1.
Variant type: single nucleotide variant.
Coding change: c.2572C>T on transcript NM_001184880.2 (MANE Select); coding-DNA position 2572, C replaced by T.
Protein change: p.Pro858Ser; replaces proline 858 with serine.
Molecular consequence: missense variant.
Genome position (GRCh38, 1-based): chrX:100,402,568, G>A on the plus strand (C>T on the coding strand, the complement: PCDH19 is on the minus strand). VCF-style: chrX-100402568-G-A. GRCh37 (hg19) VCF-style: chrX-99657566-G-A.
Other names: c.2431C>T, p.Pro811Ser (NM_001105243.2, NM_020766.3); short protein forms P858S, P811S.
Identifiers: ClinVar variation 1366293 (VCV001366293.8), dbSNP rs1425103514, ClinGen allele CA414005380.

ClinVar aggregate classification (germline): Uncertain significance (1 of 4 stars; one submission).

Conditions:
Developmental and epileptic encephalopathy, 9 (DEE9). Also called: EPILEPSY, FEMALE-RESTRICTED, WITH MENTAL RETARDATION; PCDH19-Related X-Linked Female-Limited Epilepsy with Mental Retardation; Early infantile epileptic encephalopathy 9; JUBERG-HELLMAN SYNDROME. Identifiers: Orphanet 101039, Orphanet 2076, MedGen C1848137, MONDO:0010246, OMIM 300088. Disease mechanism: loss of function.

Allele frequency attached by ClinVar (database versions not stated): gnomAD exomes below 0.00001 and 0.00001; gnomAD 0.00001; TOPMed 0.00001.
gnomAD v4.1: 3 of 1,209,929 alleles (0.00025%); highest among the groups gnomAD compares: Non-Finnish European, 0.00034%; no homozygotes.

Submission:

Labcorp Genetics (formerly Invitae), Labcorp
Classification: Uncertain significance for Developmental and epileptic encephalopathy, 9. Last evaluated: 2025-04-28. Review status: criteria provided, single submitter. Criteria: Invitae Variant Classification Sherloc (09022015). Collection method: clinical testing. Allele origin: germline.
Comment: This sequence change replaces proline, which is neutral and non-polar, with serine, which is neutral and polar, at codon 858 of the PCDH19 protein (p.Pro858Ser). This variant is present in population databases (no rsID available, gnomAD 0.001%). This variant has not been reported in the literature in individuals affected with PCDH19-related conditions. ClinVar contains an entry for this variant (Variation ID: 1366293). Invitae Evidence Modeling of protein sequence and biophysical properties (such as structural, functional, and spatial information, amino acid conservation, physicochemical variation, residue mobility, and thermodynamic stability) indicates that this missense variant is not expected to disrupt PCDH19 protein function with a negative predictive value of 95%. In summary, the available evidence is currently insufficient to determine the role of this variant in disease. Therefore, it has been classified as a Variant of Uncertain Significance.